The following is an entry in ClinVar:

ClinVar aggregate classification (germline): Benign/Likely benign. Review status: criteria provided, multiple submitters, no conflicts (2 of 4 stars). 7 submissions from 7 submitters: Benign (2); Likely benign (5). Last evaluated 2026-02-02.

Conditions:
Autoinflammatory syndrome. Identifiers: Orphanet 93665, MedGen C3890737, MONDO:0019751.
Familial hemophagocytic lymphohistiocytosis 3 (FHL3). Also called: UNC13D-Related Familial Hemophagocytic Lymphohistiocytosis (UNC13D-fHLH). Identifiers: Orphanet 540, MedGen C1837174, MONDO:0012146, OMIM 608898.

Allele frequency attached by ClinVar (database versions not stated): gnomAD 0.00070 and 0.00087; ESP Exome Variant Server 0.00092; TOPMed 0.00096; ExAC 0.00202; gnomAD exomes 0.00208; 1000 Genomes Project 30x 0.00250; 1000 Genomes Project 0.00260.
gnomAD v4.1: 1,938 of 1,613,778 alleles (0.12%); highest among the groups gnomAD compares: Middle Eastern, 0.86%; 9 homozygotes.

Submissions (7):

Labcorp Genetics (formerly Invitae), Labcorp
Classification: Benign for Familial hemophagocytic lymphohistiocytosis 3. Last evaluated: 2026-02-02. Review status: criteria provided, single submitter. Criteria: Invitae Variant Classification Sherloc (09022015). Collection method: clinical testing. Allele origin: germline.

Blueprint Genetics
Classification: Likely benign. Last evaluated: 2024-11-26. Review status: criteria provided, single submitter. Criteria: ACMG Guidelines, 2015. Collection method: clinical testing. Allele origin: germline.

CeGaT Center for Human Genetics Tuebingen
Classification: Likely benign. Last evaluated: 2023-02-01. Review status: criteria provided, single submitter. Criteria: CeGaT Center For Human Genetics Tuebingen Variant Classification Criteria Version 2. Collection method: clinical testing. Allele origin: germline. Affected: yes. Observed: 3 variant alleles.
Comment: UNC13D: BP4, BP7

Genome Diagnostics Laboratory, The Hospital for Sick Children
Classification: Benign for Autoinflammatory syndrome. Last evaluated: 2020-12-21. Review status: criteria provided, single submitter. Criteria: ACMG Guidelines, 2015. Collection method: clinical testing. Allele origin: germline. Affected: yes.

Illumina Laboratory Services, Illumina
Classification: Likely benign for Familial hemophagocytic lymphohistiocytosis 3. Last evaluated: 2018-01-13. Review status: criteria provided, single submitter. Criteria: ICSL Variant Classification Criteria 13 December 2019. Collection method: clinical testing. Allele origin: germline.
Comment: This variant was observed in the ICSL laboratory as part of a predisposition screen in an ostensibly healthy population. It had not been previously curated by ICSL or reported in the Human Gene Mutation Database (HGMD: prior to June 1st, 2018), and was therefore a candidate for classification through an automated scoring system. Utilizing variant allele frequency, disease prevalence and penetrance estimates, and inheritance mode, an automated score was calculated to assess if this variant is too frequent to cause the disease. Based on the score and internal cut-off values, a variant classified as likely benign is not then subjected to further curation. The score for this variant resulted in a classification of likely benign for this disease.

Breakthrough Genomics
Classification: Likely benign. Review status: criteria provided, single submitter. Criteria: ACMG Guidelines, 2015. Collection method: not provided. Allele origin: germline. Inheritance: Autosomal recessive inheritance. Affected: yes.

PreventionGenetics, part of Exact Sciences
Classification: Likely benign. Review status: criteria provided, single submitter. Criteria: ACMG Guidelines, 2015. Collection method: clinical testing. Allele origin: germline.

NM_199242.3(UNC13D):c.2052C>G (p.Leu684=)

Gene: UNC13D (unc-13 homolog D; minus strand). Cytogenetic location: 17q25.1.
Variant type: single nucleotide variant.
Coding change: c.2052C>G on transcript NM_199242.3 (MANE Select); coding-DNA position 2052, C replaced by G.
Protein change: p.Leu684=; no amino-acid change (leucine 684 retained).
Molecular consequence: synonymous variant.
Genome position (GRCh38, 1-based): chr17:75,834,657, G>C on the plus strand (C>G on the coding strand, the complement: UNC13D is on the minus strand). VCF-style: chr17-75834657-G-C. GRCh37 (hg19) VCF-style: chr17-73830738-G-C.
Identifiers: ClinVar variation 263223 (VCV000263223.59), dbSNP rs150861045, ClinGen allele CA8772683.